The following is an entry in ClinVar:

ClinVar aggregate classification (germline): Uncertain significance. Review status: criteria provided, single submitter (1 of 4 stars). 2 submissions from 1 submitter: Uncertain significance (1). 1 of the submissions does not count toward it. Last evaluated 2021-12-09.

Conditions:
Autosomal recessive juvenile Parkinson disease 2. Also called: Parkinson disease autosomal recessive, early onset; Juvenile parkinsonism; Parkinsonism, early onset, with diurnal fluctuation; Parkinson disease, juvenile, type 2; PRKN-Related Early-Onset Parkinson Disease; PARKINSON DISEASE, JUVENILE, AUTOSOMAL RECESSIVE. Identifiers: Orphanet 2828, MedGen C1868675, MONDO:0010820, OMIM 600116.

Submissions (2):

Labcorp Genetics (formerly Invitae), Labcorp
Classification: Uncertain significance. Last evaluated: 2021-12-09. Review status: criteria provided, single submitter. Criteria: Invitae Variant Classification Sherloc (09022015). Collection method: clinical testing. Allele origin: germline.
Comment: This variant results in a copy number gain of the genomic region encompassing exon(s) 2-3 of the PRKN gene. While the exact position of this variant cannot be determined from the data, sub-genic copy number gains are generally in tandem (PMID: 25640679). This variant is predicted to be in-frame, and likely preserves the integrity of the reading frame. A similar copy number variant has been observed in individual(s) with early-onset Parkinson's disease (Invitae). In summary, the available evidence is currently insufficient to determine the role of this variant in disease. Therefore, it has been classified as a Variant of Uncertain Significance.

Labcorp Genetics (formerly Invitae), Labcorp
Classification: Uncertain significance for Parkinson disease 2. Last evaluated: 2018-05-24. Review status: flagged submission. Criteria: Invitae Variant Classification Sherloc (09022015). Collection method: clinical testing. Allele origin: germline. Not counted in ClinVar's aggregate classification.
Comment: This variant results in a copy number gain of the genomic region encompassing exons 2-3 of the PARK2 gene. While the exact position of this variant cannot be determined from this data, sub-genic copy number gains are generally in tandem (PMID: 25640679). This variant would be expected to be in-frame, preserving the integrity of the reading frame. A similar copy number gain of exons 2-3 has been reported in an individual affected with early onset Parkinson's disease (PMID: 12764050). In summary, the available evidence is currently insufficient to determine the role of this variant in disease. Therefore, it has been classified as a Variant of Uncertain Significance.
ClinVar note: Reason: This record appears to be redundant with a more recent record from the same submitter.
ClinVar note: Notes: SCV000836871 appears to be redundant with SCV002233487.

Literature cited by the submitters: PubMed 25640679; PubMed 12764050.

NC_000006.11:g.(?_162683537)_(162864525_?)dup

Gene: PRKN (parkin RBR E3 ubiquitin protein ligase; minus strand). Cytogenetic location: 6q26.
Variant type: Duplication.
Identifiers: ClinVar variation 583436 (VCV000583436.4).